The following is an entry in ClinVar:

ClinVar aggregate classification (germline): Uncertain significance. Review status: criteria provided, single submitter (1 of 4 stars). 2 submissions from 2 submitters: Uncertain significance (1). 1 of the submissions does not count toward it. Last evaluated 2026-03-20.

Conditions:
Nemaline myopathy 2 (NEM2). Also called: Nemaline myopathy 2, autosomal recessive. Identifiers: MedGen C1850569, MONDO:0009725, OMIM 256030.

Submissions (2):

Myriad Genetics, Inc.
Classification: Uncertain significance for Nemaline myopathy 2. Last evaluated: 2026-03-20. Review status: criteria provided, single submitter. Criteria: Myriad Autosomal Dominant, Autosomal Recessive and X-Linked Classification Criteria (2023). Collection method: clinical testing. Allele origin: unknown.
Comment: NM_001271208.1(NEB):c.23011-6_23011-2del5 is a variant in a canonical splice site classified as a variant of uncertain significance in the context of NEB-related nemaline myopathy. c.23011-6_23011-2del5 has not been observed in cases with relevant disease. Relevant functional assessments of this variant are not available in the literature. c.23011-6_23011-2del5 has not been observed in referenced population frequency databases. In summary, there is insufficient evidence to classify NM_001271208.1(NEB):c.23011-6_23011-2del5 as pathogenic or benign. Please note: this variant was assessed in the context of healthy population screening.

Counsyl
Classification: Uncertain significance for Nemaline myopathy 2. Last evaluated: 2017-05-19. Review status: no assertion criteria provided. Collection method: clinical testing. Allele origin: unknown. Not counted in ClinVar's aggregate classification.

NM_001164508.2(NEB):c.22906-6_22906-2del

Genes: NEB (nebulin; minus strand), RIF1 (replication timing regulatory factor 1; plus strand). Cytogenetic location: 2q23.3.
Variant type: Deletion.
Coding change: c.22906-6_22906-2del on transcript NM_001164508.2 (MANE Select); 6 bases into the intron before coding-DNA position 22906 through the canonical splice acceptor site of the intron before coding-DNA position 22906, 5 bases deleted (CATTA; older notation c.22906-6_22906-2delCATTA).
Molecular consequence: splice acceptor variant.
Genome position (GRCh38, 1-based): chr2:151,514,930-151,514,934, TAATG deleted on the plus strand (CATTA on the coding strand, the reverse complement: NEB is on the minus strand); deleting any 5 consecutive bases within chr2:151,514,930-151,514,937 gives the same sequence; the c. name uses the placement nearest the transcript's 3' end. VCF-style (leftmost placement, unchanged base first): chr2-151514929-CTAATG-C. GRCh37 (hg19) VCF-style: chr2-152371443-CTAATG-C.
Other names: c.17803-6_17803-2del (NM_004543.5); c.22906-6_22906-2del (NM_001164507.2); c.23011-6_23011-2del (NM_001271208.2); c.23011-6_23011-2del5 (NM_001271208.1).
Identifiers: ClinVar variation 551888 (VCV000551888.3), dbSNP rs1014710501, ClinGen allele CA57618774.
Genomic context (GRCh38, chr2:151,514,929, plus strand): 5'-CTCCAGGCCAGTCAGGTTTCTGCCTTTAATGGACTCTTCATAATCTTTCCTATATTCTTT[CTAATG>C]TAAGTAGGAAGGAAAGACAAGTTAAAAAAAAATCTTTATTACAATATATCTCTCCATCTC-3'